The following is an entry in ClinVar:

NM_001079855.2(GYG2):c.1189G>A (p.Glu397Lys)

Gene: GYG2 (glycogenin 2; plus strand). Cytogenetic location: Xp22.33.
Variant type: single nucleotide variant.
Coding change: c.1189G>A on transcript NM_001079855.2 (MANE Select); coding-DNA position 1189, G replaced by A.
Protein change: p.Glu397Lys; replaces glutamic acid 397 with lysine.
Molecular consequence: missense variant. On other transcripts: intron variant (2).
Genome position (GRCh38, 1-based): chrX:2,877,245, G>A. VCF-style: chrX-2877245-G-A. GRCh37 (hg19) VCF-style: chrX-2795286-G-A.
Other names: c.1186G>A, p.Glu396Lys (NM_001184702.2); c.1282G>A, p.Glu428Lys (NM_003918.3); c.1132-3807G>A (NM_001184703.2); c.574-3807G>A (NM_001184704.2); short protein forms E396K, E428K, E397K.
Identifiers: ClinVar variation 3001921 (VCV003001921.3), dbSNP rs138101249, ClinGen allele CA10337293.

ClinVar aggregate classification (germline): Uncertain significance (1 of 4 stars; one submission).

gnomAD v4.1: 1 of 1,210,097 alleles (0.000083%); highest among the groups gnomAD compares: Admixed American, 0.0022%; no homozygotes.

Submission:

Labcorp Genetics (formerly Invitae), Labcorp
Classification: Uncertain significance. Last evaluated: 2022-11-11. Review status: criteria provided, single submitter. Criteria: Invitae Variant Classification Sherloc (09022015). Collection method: clinical testing. Allele origin: germline.
Comment: In summary, the available evidence is currently insufficient to determine the role of this variant in disease. Therefore, it has been classified as a Variant of Uncertain Significance. Algorithms developed to predict the effect of missense changes on protein structure and function (SIFT, PolyPhen-2, Align-GVGD) all suggest that this variant is likely to be tolerated. This variant has not been reported in the literature in individuals affected with GYG2-related conditions. This variant is present in population databases (rs138101249, gnomAD 0.004%). This sequence change replaces glutamic acid, which is acidic and polar, with lysine, which is basic and polar, at codon 428 of the GYG2 protein (p.Glu428Lys).